The following is an entry in ClinVar:

ClinVar aggregate classification (germline): Likely benign. Review status: criteria provided, multiple submitters, no conflicts (2 of 4 stars). 2 submissions from 2 submitters: Likely benign (2). Last evaluated 2025-04-29.

Conditions:
Familial hemiplegic migraine. Identifiers: MedGen C0338484, MONDO:0000700.
ATP1A2-related disorder. Also called: ATP1A2-RELATED DISORDERS; ATP1A2-related condition.

Allele frequency attached by ClinVar (database versions not stated): gnomAD exomes below 0.00001; TOPMed below 0.00001; ExAC 0.00001; gnomAD 0.00001; 1000 Genomes Project 30x 0.00016; 1000 Genomes Project 0.00020.
gnomAD v4.1: 2 of 1,614,180 alleles (0.00012%); highest among the groups gnomAD compares: Non-Finnish European, 0.00017%; no homozygotes.

Submissions (2):

PreventionGenetics, part of Exact Sciences
Classification: Likely benign for ATP1A2-related condition. Last evaluated: 2025-04-29. Review status: criteria provided, single submitter. Criteria: ACMG Guidelines, 2015. Collection method: clinical testing. Allele origin: germline.
Comment: This variant is classified as likely benign based on ACMG/AMP sequence variant interpretation guidelines (Richards et al. 2015 PMID: 25741868, with internal and published modifications).

Labcorp Genetics (formerly Invitae), Labcorp
Classification: Likely benign for Familial hemiplegic migraine. Last evaluated: 2024-04-06. Review status: criteria provided, single submitter. Criteria: Invitae Variant Classification Sherloc (09022015). Collection method: clinical testing. Allele origin: germline.

NM_000702.4(ATP1A2):c.2982C>T (p.Leu994=)

Gene: ATP1A2 (ATPase Na+/K+ transporting subunit alpha 2; plus strand). Cytogenetic location: 1q23.2.
Variant type: single nucleotide variant.
Coding change: c.2982C>T on transcript NM_000702.4 (MANE Select); coding-DNA position 2982, C replaced by T.
Protein change: p.Leu994=; no amino-acid change (leucine 994 retained).
Molecular consequence: synonymous variant.
Genome position (GRCh38, 1-based): chr1:160,139,932, C>T. VCF-style: chr1-160139932-C-T. GRCh37 (hg19) VCF-style: chr1-160109722-C-T.
Identifiers: ClinVar variation 2789573 (VCV002789573.4), dbSNP rs540676225, ClinGen allele CA1194903.